The following is an entry in ClinVar:

ClinVar aggregate classification (germline): Uncertain significance (1 of 4 stars; one submission).

Submission:

Labcorp Genetics (formerly Invitae), Labcorp
Classification: Uncertain significance. Last evaluated: 2022-09-24. Review status: criteria provided, single submitter. Criteria: Invitae Variant Classification Sherloc (09022015). Collection method: clinical testing. Allele origin: germline.
Comment: In summary, the available evidence is currently insufficient to determine the role of this variant in disease. Therefore, it has been classified as a Variant of Uncertain Significance. Experimental studies and prediction algorithms are not available or were not evaluated, and the functional significance of this variant is currently unknown. This variant has not been reported in the literature in individuals affected with STN1-related conditions. A copy number gain of the genomic region encompassing the full coding sequence of the STN1 gene has been identified. The boundaries of this event are unknown as they extend beyond the assayed region for this gene and therefore may encompass additional genes. As the precise location of this event is unknown, it may be in tandem or it may be located elsewhere in the genome.

NC_000010.10:g.(?_105642442)_(105677352_?)dup

Gene: STN1 (STN1 subunit of CST complex; minus strand). Cytogenetic location: 10q24.33.
Variant type: Duplication.
Identifiers: ClinVar variation 1412481 (VCV001412481.5).